The following is an entry in ClinVar:

ClinVar aggregate classification (germline): Uncertain significance (1 of 4 stars; one submission).

Submission:

Ambry Genetics
Classification: Uncertain significance. Last evaluated: 2025-05-31. Review status: criteria provided, single submitter. Criteria: Ambry Variant Classification Scheme 2023. Collection method: clinical testing. Allele origin: germline.
Comment: The p.S325F variant (also known as c.974C>T), located in coding exon 5 of the GFI1 gene, results from a C to T substitution at nucleotide position 974. The serine at codon 325 is replaced by phenylalanine, an amino acid with highly dissimilar properties. This amino acid position is conserved. In addition, the in silico prediction for this alteration is inconclusive. Based on the available evidence, the clinical significance of this variant remains unclear.

NM_005263.5(GFI1):c.974C>T (p.Ser325Phe)

Gene: GFI1 (growth factor independent 1 transcriptional repressor; minus strand). Cytogenetic location: 1p22.1.
Variant type: single nucleotide variant.
Coding change: c.974C>T on transcript NM_005263.5 (MANE Select); coding-DNA position 974, C replaced by T.
Protein change: p.Ser325Phe; replaces serine 325 with phenylalanine.
Molecular consequence: missense variant.
Genome position (GRCh38, 1-based): chr1:92,478,704, G>A on the plus strand (C>T on the coding strand, the complement: GFI1 is on the minus strand). VCF-style: chr1-92478704-G-A. GRCh37 (hg19) VCF-style: chr1-92944261-G-A.
Other names: c.974C>T, p.Ser325Phe (NM_001127215.3, NM_001127216.3); short protein forms S325F.
Identifiers: ClinVar variation 4029442 (VCV004029442.1).